The following is an entry in ClinVar:

ClinVar aggregate classification (germline): Conflicting classifications of pathogenicity. Review status: criteria provided, conflicting classifications (1 of 4 stars). 2 submissions from 2 submitters: Uncertain significance (1); Benign (1). Last evaluated 2016-10-31.

Conditions:
Maturity-onset diabetes of the young (MODY). Also called: Maturity onset diabetes mellitus in young. Identifiers: Orphanet 552, MedGen C0342276, MONDO:0018911, HP:0004904.

Allele frequency attached by ClinVar (database versions not stated): 1000 Genomes Project 30x 0.00047; gnomAD 0.00051; 1000 Genomes Project 0.00040; gnomAD exomes 0.00082; TOPMed 0.00094.

Submissions (2):

Genetic Services Laboratory, University of Chicago
Classification: Uncertain significance. Last evaluated: 2016-10-31. Review status: criteria provided, single submitter. Criteria: ACMG Guidelines, 2015. Collection method: clinical testing. Allele origin: germline. Affected: no.

Clinical Genomics, Uppaluri K&H Personalized Medicine Clinic
Classification: Benign for Maturity-onset diabetes of the young. Review status: criteria provided, single submitter. Criteria: K & H Uppaluri Personalized Medicine Clinic Variant Classification & Assertion Criteria_Updated V.1. Collection method: research. Allele origin: unknown. Inheritance: Autosomal dominant inheritance.
Comment: Potent mutations in HNF4A are associated with poor insulin secretion in response to hyperglycemia. Associated with MODY1. Patients initially respond well to sulfonylureas but eventually become insulin dependent. However, more evidence is required to ascertain the role of this particular variant rs377144780 in MODY, yet.

Literature cited by the submitters: DOI 10.1159/000334532 (cited by Clinical Genomics, Uppaluri K&H Personalized Medicine Clinic); PubMed 18268044 (cited by Clinical Genomics, Uppaluri K&H Personalized Medicine Clinic); PubMed 17563455 (cited by Clinical Genomics, Uppaluri K&H Personalized Medicine Clinic); PubMed 32583173 (cited by Clinical Genomics, Uppaluri K&H Personalized Medicine Clinic); PubMed 35052457 (cited by Clinical Genomics, Uppaluri K&H Personalized Medicine Clinic); PubMed 35118593 (cited by Clinical Genomics, Uppaluri K&H Personalized Medicine Clinic).

NM_175914.4(HNF4A):c.-565T>C

Genes: HNF4A (hepatocyte nuclear factor 4 alpha; plus strand), R3HDML-AS1 (R3HDML antisense RNA 1; minus strand). Cytogenetic location: 20q13.12.
Variant type: single nucleotide variant.
Coding change: c.-565T>C on transcript NM_175914.4; 565 bases upstream of the start codon, T replaced by C.
Molecular consequence: non-coding transcript variant (on NR_184036.1).
Genome position (GRCh38, 1-based): chr20:44,355,240, T>C. VCF-style: chr20-44355240-T-C. GRCh37 (hg19) VCF-style: chr20-42983880-T-C.
Identifiers: ClinVar variation 435430 (VCV000435430.8), dbSNP rs377144780, ClinGen allele CA315390249.